The following is an entry in ClinVar:

NM_024577.4(SH3TC2):c.641G>A (p.Gly214Asp)

Gene: SH3TC2 (SH3 domain and tetratricopeptide repeats 2; minus strand). Cytogenetic location: 5q32.
Variant type: single nucleotide variant.
Coding change: c.641G>A on transcript NM_024577.4 (MANE Select); coding-DNA position 641, G replaced by A.
Protein change: p.Gly214Asp; replaces glycine 214 with aspartic acid.
Molecular consequence: missense variant.
Genome position (GRCh38, 1-based): chr5:149,041,506, C>T on the plus strand (G>A on the coding strand, the complement: SH3TC2 is on the minus strand). VCF-style: chr5-149041506-C-T. GRCh37 (hg19) VCF-style: chr5-148421069-C-T.
Other names: short protein forms G214D.
Identifiers: ClinVar variation 2112353 (VCV002112353.4), dbSNP rs1432900917, ClinGen allele CA361674502.

ClinVar aggregate classification (germline): Uncertain significance (1 of 4 stars; one submission).

Conditions:
Charcot-Marie-Tooth disease type 4. Also called: Charcot-Marie-Tooth disease, type IV; Charcot-Marie-Tooth, Type 4. Identifiers: Orphanet 64749, MedGen C4082197, MONDO:0018995.

Submission:

Labcorp Genetics (formerly Invitae), Labcorp
Classification: Uncertain significance for Charcot-Marie-Tooth disease type 4. Last evaluated: 2022-08-15. Review status: criteria provided, single submitter. Criteria: Invitae Variant Classification Sherloc (09022015). Collection method: clinical testing. Allele origin: germline.
Comment: In summary, the available evidence is currently insufficient to determine the role of this variant in disease. Therefore, it has been classified as a Variant of Uncertain Significance. Advanced modeling of protein sequence and biophysical properties (such as structural, functional, and spatial information, amino acid conservation, physicochemical variation, residue mobility, and thermodynamic stability) performed at Invitae indicates that this missense variant is not expected to disrupt SH3TC2 protein function. This variant has not been reported in the literature in individuals affected with SH3TC2-related conditions. This sequence change replaces glycine, which is neutral and non-polar, with aspartic acid, which is acidic and polar, at codon 214 of the SH3TC2 protein (p.Gly214Asp). This variant is not present in population databases (gnomAD no frequency).